The following is an entry in ClinVar:

NM_001127178.3(PIGG):c.2042G>A (p.Arg681Gln)

Gene: PIGG (phosphatidylinositol glycan anchor biosynthesis class G (EMM blood group); plus strand). Cytogenetic location: 4p16.3.
Variant type: single nucleotide variant.
Coding change: c.2042G>A on transcript NM_001127178.3 (MANE Select); coding-DNA position 2042, G replaced by A.
Protein change: p.Arg681Gln; replaces arginine 681 with glutamine.
Molecular consequence: missense variant. On other transcripts: non-coding transcript variant (6).
Genome position (GRCh38, 1-based): chr4:523,886, G>A. VCF-style: chr4-523886-G-A. GRCh37 (hg19) VCF-style: chr4-517675-G-A.
Other names: c.1775G>A, p.Arg592Gln (NM_001289051.2, NM_001345986.2); c.1643G>A, p.Arg548Gln (NM_001289052.2); c.1751G>A, p.Arg584Gln (NM_001345987.2); c.1013G>A, p.Arg338Gln (NM_001345988.2); c.509G>A, p.Arg170Gln (NM_001345990.2, NM_001345991.2); c.944G>A, p.Arg315Gln (NM_001345994.2); c.2018G>A, p.Arg673Gln (NM_017733.5); short protein forms R170Q, R315Q, R338Q, R548Q, R584Q, R592Q, R673Q, R681Q.
Identifiers: ClinVar variation 1053422 (VCV001053422.15), dbSNP rs996876333, ClinGen allele CA91067304.

ClinVar aggregate classification (germline): Uncertain significance. Review status: criteria provided, multiple submitters, no conflicts (2 of 4 stars). 3 submissions from 3 submitters: Uncertain significance (3). Last evaluated 2025-04-11.

Conditions:
Intellectual disability, autosomal recessive 53 (NEDHSCA). Also called: NEURODEVELOPMENTAL DISORDER WITH OR WITHOUT HYPOTONIA, SEIZURES, AND CEREBELLAR ATROPHY; GLYCOSYLPHOSPHATIDYLINOSITOL BIOSYNTHESIS DEFECT 13; Mental retardation, autosomal recessive 53. Identifiers: Orphanet 488635, MedGen C4310794, MONDO:0014832, OMIM 616917.

Allele frequency attached by ClinVar (database versions not stated): gnomAD 0.00001; gnomAD exomes 0.00001 and 0.00002; TOPMed 0.00002.
gnomAD v4.1: 22 of 1,544,818 alleles (0.0014%); highest among the groups gnomAD compares: South Asian, 0.0071%; no homozygotes.

Submissions (3):

Dasa
Classification: Uncertain significance. Last evaluated: 2025-04-11. Review status: criteria provided, single submitter. Criteria: DASA Assertion Criteria. Collection method: clinical testing. Allele origin: germline.
Comment: NM_001127178.3(PIGG):c.2042G>A (p.Arg681Gln) is a missense variant that results in the substitution of arginine with glutamine. This variant is rare in population databases. Computational prediction algorithms are consistent with a benign effect. The currently available literature and clinical evidence are not sufficient to establish a definitive association between this variant and the reported condition. Therefore, this variant is classified as a variant of uncertain significance.

Blueprint Genetics
Classification: Uncertain significance. Last evaluated: 2022-06-16. Review status: criteria provided, single submitter. Criteria: ACMG Guidelines, 2015. Collection method: clinical testing. Allele origin: germline.

Labcorp Genetics (formerly Invitae), Labcorp
Classification: Uncertain significance for Intellectual disability, autosomal recessive 53. Last evaluated: 2022-02-05. Review status: criteria provided, single submitter. Criteria: Invitae Variant Classification Sherloc (09022015). Collection method: clinical testing. Allele origin: germline.
Comment: In summary, the available evidence is currently insufficient to determine the role of this variant in disease. Therefore, it has been classified as a Variant of Uncertain Significance. Algorithms developed to predict the effect of missense changes on protein structure and function (SIFT, PolyPhen-2, Align-GVGD) all suggest that this variant is likely to be tolerated. ClinVar contains an entry for this variant (Variation ID: 1053422). This variant has not been reported in the literature in individuals affected with PIGG-related conditions. This variant is present in population databases (no rsID available, gnomAD 0.009%). This sequence change replaces arginine, which is basic and polar, with glutamine, which is neutral and polar, at codon 681 of the PIGG protein (p.Arg681Gln).